The following is an entry in ClinVar:

NM_004646.4(NPHS1):c.3286+51A>C

Gene: NPHS1 (NPHS1 adhesion molecule, nephrin; minus strand). Cytogenetic location: 19q13.12.
Variant type: single nucleotide variant.
Coding change: c.3286+51A>C on transcript NM_004646.4 (MANE Select); 51 bases into the intron after coding-DNA position 3286, A replaced by C.
Molecular consequence: intron variant.
Genome position (GRCh38, 1-based): chr19:35,831,592, T>G on the plus strand (A>C on the coding strand, the complement: NPHS1 is on the minus strand). VCF-style: chr19-35831592-T-G. GRCh37 (hg19) VCF-style: chr19-36322494-T-G.
Identifiers: ClinVar variation 977121 (VCV000977121.2), dbSNP rs1972884983, ClinGen allele CA1139666418.
Genomic context (GRCh38, chr19:35,831,592, plus strand): 5'-CCCTATGCAAGCCCCCCACCCCGGCCCCAGGAAGACCTTCAGTATGCAGCAACCACAGGG[T>G]TCCCTATCACCCTCGGGTCTCCACCCTGGCAGGGAAGGGTCTCTCCTCACCCTCAGCAAG-3'

ClinVar aggregate classification (germline): drug response (0 of 4 stars; one submission).

Conditions:
Corticosteroids response. Also called: Corticosteroid response.

Submission:

Genetic Testing Lab, Ashok and Rita Patel Institute of Integrated Study and Research in Biotechnology and Allied Sciences
Classification: drug response for Corticosteroid response. Last evaluated: 2020-01-12. Review status: no assertion criteria provided. Collection method: research. Allele origin: somatic. Affected: yes. Observed: 27 variant alleles.
Comment: Depending upon patients response to standard corticosteroids therapy, they were classified to be either Steroid resistance(SRNS) or steroid sensitive(SSNS)